The following is an entry in ClinVar:

NM_001365999.1(SZT2):c.7177C>T (p.Pro2393Ser)

Gene: SZT2 (SZT2 subunit of KICSTOR complex; plus strand). Cytogenetic location: 1p34.2.
Variant type: single nucleotide variant.
Coding change: c.7177C>T on transcript NM_001365999.1 (MANE Select); coding-DNA position 7177, C replaced by T.
Protein change: p.Pro2393Ser; replaces proline 2393 with serine.
Molecular consequence: missense variant.
Genome position (GRCh38, 1-based): chr1:43,440,015, C>T. VCF-style: chr1-43440015-C-T. GRCh37 (hg19) VCF-style: chr1-43905686-C-T.
Other names: c.7006C>T, p.Pro2336Ser (NM_015284.4); short protein forms P2336S, P2393S.
Identifiers: ClinVar variation 1707927 (VCV001707927.2), dbSNP rs1274030036, ClinGen allele CA340033587.
Genomic context (GRCh38, chr1:43,440,015, plus strand): 5'-AAACTCCGAGGAGCAGCTCGCCAGGCCCTGGCCGATGCCATCATCGAGCTTCAGCTGCTG[C>T]CAGCTTCACTATGTACAGAGGACACACCCACAGGTATGCAAGTCAAGAGGTCCCTGGGGT-3'
Protein context (NP_001352928.1, residues 2383-2403): ADAIIELQLL[Pro2393Ser]ASLCTEDTPT

ClinVar aggregate classification (germline): Uncertain significance (1 of 4 stars; one submission).

Allele frequency attached by ClinVar (database versions not stated): gnomAD 0.00001.
gnomAD v4.1: 3 of 1,613,952 alleles (0.00019%); highest among the groups gnomAD compares: Non-Finnish European, 0.00017%; no homozygotes.

Submission:

GeneDx
Classification: Uncertain significance. Last evaluated: 2022-04-01. Review status: criteria provided, single submitter. Criteria: GeneDx Variant Classification Process June 2021. Collection method: clinical testing. Allele origin: germline. Affected: yes.
Comment: Not observed at significant frequency in large population cohorts (gnomAD); In silico analysis supports that this missense variant does not alter protein structure/function; Has not been previously published as pathogenic or benign to our knowledge